The following is an entry in ClinVar:

NM_001378120.1(MBD5):c.3624G>A (p.Met1208Ile)

Gene: MBD5 (methyl-CpG binding domain protein 5; plus strand). Cytogenetic location: 2q23.1.
Variant type: single nucleotide variant.
Coding change: c.3624G>A on transcript NM_001378120.1 (MANE Select); coding-DNA position 3624, G replaced by A.
Protein change: p.Met1208Ile; replaces methionine 1208 with isoleucine.
Molecular consequence: missense variant.
Genome position (GRCh38, 1-based): chr2:148,485,821, G>A. VCF-style: chr2-148485821-G-A. GRCh37 (hg19) VCF-style: chr2-149243390-G-A.
Other names: c.2925G>A, p.Met975Ile (NM_018328.5); c.2925G>A (NM_018328.4); short protein forms M975I, M1208I.
Identifiers: ClinVar variation 2819611 (VCV002819611.4), dbSNP rs1559096703, ClinGen allele CA348724508.
Genomic context (GRCh38, chr2:148,485,821, plus strand): 5'-CAATACTTTGAGTAACCATCAACTGACTCATCTACAGTCGCTGTTAAACAACAATCAGAT[G>A]TTTCCTCCAAATCAGCAACAGCAGCAACTTCTCCAGGGGTACCAGAATCTCCAGGCGTTC-3'
Protein context (NP_001365049.1, residues 1198-1218): HLQSLLNNNQ[Met1208Ile]FPPNQQQQQL

ClinVar aggregate classification (germline): Uncertain significance. Review status: criteria provided, multiple submitters, no conflicts (2 of 4 stars). 2 submissions from 2 submitters: Uncertain significance (2). Last evaluated 2025-02-20.

Conditions:
Intellectual developmental disorder, autosomal dominant 1. Also called: MBD5 Haploinsufficiency; Intellectual disability, autosomal dominant 1. Identifiers: Orphanet 228402, MedGen C1969562, MONDO:0007974, OMIM 156200.

Allele frequency attached by ClinVar (database versions not stated): gnomAD exomes below 0.00001.

Submissions (2):

GeneDx
Classification: Uncertain significance. Last evaluated: 2025-02-20. Review status: criteria provided, single submitter. Criteria: GeneDx Variant Classification Process June 2021. Collection method: clinical testing. Allele origin: germline. Affected: yes.
Comment: Not observed at significant frequency in large population cohorts (gnomAD); In silico analysis indicates that this missense variant does not alter protein structure/function; Has not been previously published as pathogenic or benign to our knowledge

Labcorp Genetics (formerly Invitae), Labcorp
Classification: Uncertain significance for Intellectual developmental disorder, autosomal dominant 1. Last evaluated: 2022-12-20. Review status: criteria provided, single submitter. Criteria: Invitae Variant Classification Sherloc (09022015). Collection method: clinical testing. Allele origin: germline.
Comment: In summary, the available evidence is currently insufficient to determine the role of this variant in disease. Therefore, it has been classified as a Variant of Uncertain Significance. This sequence change replaces methionine, which is neutral and non-polar, with isoleucine, which is neutral and non-polar, at codon 975 of the MBD5 protein (p.Met975Ile). This variant is not present in population databases (gnomAD no frequency). This variant has not been reported in the literature in individuals affected with MBD5-related conditions. Advanced modeling of protein sequence and biophysical properties (such as structural, functional, and spatial information, amino acid conservation, physicochemical variation, residue mobility, and thermodynamic stability) performed at Invitae indicates that this missense variant is not expected to disrupt MBD5 protein function.